The following is an entry in ClinVar:

NM_001122659.3(EDNRB):c.887T>C (p.Met296Thr)

Genes: EDNRB (endothelin receptor type B; minus strand), EDNRB-AS1 (EDNRB antisense RNA 1; plus strand). Cytogenetic location: 13q22.3.
Variant type: single nucleotide variant.
Coding change: c.887T>C on transcript NM_001122659.3 (MANE Select); coding-DNA position 887, T replaced by C.
Protein change: p.Met296Thr; replaces methionine 296 with threonine.
Molecular consequence: missense variant.
Genome position (GRCh38, 1-based): chr13:77,901,122, A>G on the plus strand (T>C on the coding strand, the complement: EDNRB is on the minus strand). VCF-style: chr13-77901122-A-G. GRCh37 (hg19) VCF-style: chr13-78475257-A-G.
Other names: c.887T>C, p.Met296Thr (NM_000115.5, NM_003991.4); c.1157T>C, p.Met386Thr (NM_001201397.2); short protein forms M296T, M386T.
Identifiers: ClinVar variation 2861907 (VCV002861907.3), dbSNP rs2501534977, ClinGen allele CA388452028.

ClinVar aggregate classification (germline): Uncertain significance (1 of 4 stars; one submission).

Submission:

Labcorp Genetics (formerly Invitae), Labcorp
Classification: Uncertain significance. Last evaluated: 2023-05-03. Review status: criteria provided, single submitter. Criteria: Invitae Variant Classification Sherloc (09022015). Collection method: clinical testing. Allele origin: germline.
Comment: This variant has not been reported in the literature in individuals affected with EDNRB-related conditions. This variant is not present in population databases (gnomAD no frequency). This sequence change replaces methionine, which is neutral and non-polar, with threonine, which is neutral and polar, at codon 296 of the EDNRB protein (p.Met296Thr). Advanced modeling of protein sequence and biophysical properties (such as structural, functional, and spatial information, amino acid conservation, physicochemical variation, residue mobility, and thermodynamic stability) performed at Invitae indicates that this missense variant is not expected to disrupt EDNRB protein function. In summary, the available evidence is currently insufficient to determine the role of this variant in disease. Therefore, it has been classified as a Variant of Uncertain Significance.